The following is an entry in ClinVar:

NM_152703.5(SAMD9L):c.3595G>A (p.Gly1199Ser)

Gene: SAMD9L (sterile alpha motif domain containing 9 like; minus strand). Cytogenetic location: 7q21.2.
Variant type: single nucleotide variant.
Coding change: c.3595G>A on transcript NM_152703.5 (MANE Select); coding-DNA position 3595, G replaced by A.
Protein change: p.Gly1199Ser; replaces glycine 1199 with serine.
Molecular consequence: missense variant.
Genome position (GRCh38, 1-based): chr7:93,132,377, C>T on the plus strand (G>A on the coding strand, the complement: SAMD9L is on the minus strand). VCF-style: chr7-93132377-C-T. GRCh37 (hg19) VCF-style: chr7-92761690-C-T.
Other names: c.3595G>A, p.Gly1199Ser (NM_001303496.3, NM_001303497.3, NM_001303498.3 and 5 more transcripts); short protein forms G1199S.
Identifiers: ClinVar variation 3949844 (VCV003949844.1).

ClinVar aggregate classification (germline): Uncertain significance (1 of 4 stars; one submission).

Conditions:
Inborn genetic diseases. Identifiers: MedGen C0950123, MeSH D030342.

gnomAD v4.1: 1 of 1,613,644 alleles (0.000062%); highest among the groups gnomAD compares: Admixed American, 0.0017%; no homozygotes.

Submission:

Ambry Genetics
Classification: Uncertain significance for Inborn genetic diseases. Last evaluated: 2025-04-16. Review status: criteria provided, single submitter. Criteria: Ambry Variant Classification Scheme 2023. Collection method: clinical testing. Allele origin: germline.
Comment: The p.G1199S variant (also known as c.3595G>A), located in coding exon 1 of the SAMD9L gene, results from a G to A substitution at nucleotide position 3595. The glycine at codon 1199 is replaced by serine, an amino acid with similar properties. This amino acid position is conserved. In addition, the in silico prediction for this alteration is inconclusive. Based on the available evidence, the clinical significance of this variant remains unclear.